The following continues an entry in ClinVar:

NM_000059.4(BRCA2):c.5222_5225del (p.Ser1741fs)

Gene: BRCA2. ClinVar aggregate classification (germline): Pathogenic. Pathogenic (1).

Submissions 9 to 11 of 11:

GeneDx
Classification: Pathogenic for Familial cancer of breast. Last evaluated: 2014-01-02. Review status: criteria provided, single submitter. Criteria: GeneDx Variant Classification (06012015). Collection method: clinical testing. Allele origin: germline. Affected: yes. Not counted in ClinVar's aggregate classification.
Comment: This variant is denoted BRCA2 c.5222_5225delGTAA at the cDNA level and p.Ser1741ThrfsX35 (S1741TfsX35) at the protein level. The normal sequence with the bases that are deleted in brackets is TTAA{GTAA}CAGT. The deletion causes a frameshift, changing a Serine to a Threonine at codon 1741, and creating a premature stop codon at position 35 of the new reading frame. This mutation is predicted to cause loss of normal protein function through either protein truncation or nonsense-mediated mRNA decay. Although BRCA2 c.5222_5225delGTAA has not been previously reported to our knowledge, it is considered pathogenic. and is indicative of Hereditary Breast and Ovarian Cancer (HBOC) syndrome, an autosomal dominant condition that predisposes to breast and ovarian cancer as well as other cancers. The predominant BRCA2-related cancer risks for women who have not been diagnosed with cancer have been estimated as 41% - 84% lifetime risk for breast cancer and 11% - 27% lifetime risk for ovarian cancer (Ford 1998, Risch 2006). BRCA2 mutations have also been reported in women with fallopian tube carcinoma, primary peritoneal carcinoma, and uterine serous carcinoma (Levine 2003, Biron-Shental 2006). Women with BRCA1/2 mutations also have an increased risk for contralateral breast cancer. Women with BRCA mutations whose first cancer was diagnosed under age 40 have a 21-31% risk to develop a second breast cancer within 10 years and a 63% risk to develop a second breast cancer within 25 years. Women with BRCA mutations whose first cancer was diagnosed between ages 40 and 50 have an 11-13% risk to develop a second breast cancer within 10 years and a 44-49% risk within 25 years. Women with BRCA mutations whose first cancer was diagnosed after age 50 have an 8% risk to develop a second breast cancer within 10 years and a 20% risk within 25 years (Graeser 2009). Other cancer risks associated with a BRCA2 mutation include up to a 7% risk for pancreatic cancer (Ozcelik 1997, The Breast Cancer Linkage Consortium 1999), up to a 34% risk for prostate cancer in male carriers (Thompson 2001), and up to a 7% risk for male breast cancer (Liede 2004). The variant is found in BRCA1-BRCA2 panel(s).

Neuberg Centre For Genomic Medicine, NCGM
Classification: Pathogenic for Breast-ovarian cancer, familial, susceptibility to, 2. Review status: criteria provided, single submitter. Criteria: ACMG Guidelines, 2015. Collection method: clinical testing. Allele origin: germline. Inheritance: Autosomal dominant inheritance. Affected: yes. Not counted in ClinVar's aggregate classification.
Comment: The frame shift variant c.5222_5225del (p.Ser1741ThrfsTer35) in BRCA2 has been reported previously in heterozygous state in patients affected with disorder Breast-ovarian cancer, familial, 2 (Boyd, J et. al., 2000). The p.Ser1741ThrfsTer35 variant is novel (not in any individuals) in gnomAD Exomes and 1000 Genomes. This variant has been submitted to the ClinVar as Pathogenic. This variant causes a frameshift starting with codon Serine 1741, changes this amino acid to Threonine residue, and creates a premature Stop codon at position 35 of the new reading frame, denoted p.Ser1741ThrfsTer35. Loss of BRCA2 function is a known mechanism of disease. For these reasons, this variant has been classified as Pathogenic.

Breast Cancer Information Core (BIC) (BRCA2)
Classification: Pathogenic for Breast-ovarian cancer, familial 2. Last evaluated: 2002-05-29. Review status: no assertion criteria provided. Collection method: clinical testing. Allele origin: germline. Affected: yes. Observed: 1 variant allele. Not counted in ClinVar's aggregate classification.

Literature cited by the submitters: PubMed 31528241 (cited by Women's Health and Genetics/Laboratory Corporation of America, LabCorp and Ambry Genetics); PubMed 20104584 (cited by Labcorp Genetics (formerly Invitae), Labcorp); PubMed 29446198 (cited by Ambry Genetics); PubMed 31721094 (cited by Ambry Genetics).